The following is an entry in ClinVar:

NM_006218.4(PIK3CA):c.1535G>C (p.Gly512Ala)

Gene: PIK3CA (phosphatidylinositol-4,5-bisphosphate 3-kinase catalytic subunit alpha; plus strand). Cytogenetic location: 3q26.32.
Variant type: single nucleotide variant.
Coding change: c.1535G>C on transcript NM_006218.4 (MANE Select); coding-DNA position 1535, G replaced by C.
Protein change: p.Gly512Ala; replaces glycine 512 with alanine.
Molecular consequence: missense variant.
Genome position (GRCh38, 1-based): chr3:179,210,561, G>C. VCF-style: chr3-179210561-G-C. GRCh37 (hg19) VCF-style: chr3-178928349-G-C.
Other names: c.1535G>C (NM_006218.3); short protein forms G512A.
Identifiers: ClinVar variation 1377039 (VCV001377039.9), dbSNP rs200031978, ClinGen allele CA355262878.

ClinVar aggregate classification (germline): Uncertain significance. Review status: criteria provided, multiple submitters, no conflicts (2 of 4 stars). 3 submissions from 3 submitters: Uncertain significance (3). Last evaluated 2024-11-01.

Conditions:
Inborn genetic diseases. Identifiers: MedGen C0950123, MeSH D030342.
Cowden syndrome (CS). Also called: Cowden's disease; Cowden's syndrome; Cowden disease. Identifiers: Orphanet 201, MedGen C0018553, MONDO:0016063. Disease mechanism: gain of function.
PIK3CA-related disorder. Also called: PIK3CA-related disorders; PIK3CA-related condition; PIK3CA- related disease.

Submissions (3):

PreventionGenetics, part of Exact Sciences
Classification: Uncertain significance for PIK3CA-related condition. Last evaluated: 2024-11-01. Review status: criteria provided, single submitter. Criteria: ACMG Guidelines, 2015. Collection method: clinical testing. Allele origin: germline.
Comment: The PIK3CA c.1535G>C variant is predicted to result in the amino acid substitution p.Gly512Ala. To our knowledge, this variant has not been reported in the literature or in a large population database (gnomAD), indicating this variant is rare. At this time, the clinical significance of this variant is uncertain due to the absence of conclusive functional and genetic evidence.

Ambry Genetics
Classification: Uncertain significance for Inborn genetic diseases. Last evaluated: 2022-02-07. Review status: criteria provided, single submitter. Criteria: Ambry Variant Classification Scheme 2023. Collection method: clinical testing. Allele origin: germline.
Comment: The p.G512A variant (also known as c.1535G>C), located in coding exon 8 of the PIK3CA gene, results from a G to C substitution at nucleotide position 1535. The glycine at codon 512 is replaced by alanine, an amino acid with similar properties. This amino acid position is conserved. In addition, the in silico prediction for this alteration is inconclusive. Since supporting evidence is limited at this time, the clinical significance of this alteration remains unclear.

Labcorp Genetics (formerly Invitae), Labcorp
Classification: Uncertain significance for Cowden syndrome. Last evaluated: 2021-08-22. Review status: criteria provided, single submitter. Criteria: Invitae Variant Classification Sherloc (09022015). Collection method: clinical testing. Allele origin: germline.
Comment: This sequence change replaces glycine with alanine at codon 512 of the PIK3CA protein (p.Gly512Ala). The glycine residue is highly conserved and there is a small physicochemical difference between glycine and alanine. This variant is not present in population databases (ExAC no frequency). This variant has not been reported in the literature in individuals affected with PIK3CA-related conditions. Advanced modeling of protein sequence and biophysical properties (such as structural, functional, and spatial information, amino acid conservation, physicochemical variation, residue mobility, and thermodynamic stability) performed at Invitae indicates that this missense variant is not expected to disrupt PIK3CA protein function. In summary, the available evidence is currently insufficient to determine the role of this variant in disease. Therefore, it has been classified as a Variant of Uncertain Significance.